The following is an entry in ClinVar:

ClinVar aggregate classification (germline): Uncertain significance. Review status: criteria provided, multiple submitters, no conflicts (2 of 4 stars). 2 submissions from 2 submitters: Uncertain significance (2). Last evaluated 2025-12-31.

Conditions:
Inborn genetic diseases. Identifiers: MedGen C0950123, MeSH D030342.

gnomAD v4.1: 4 of 1,613,706 alleles (0.00025%); highest among the groups gnomAD compares: Non-Finnish European, 0.000085%; no homozygotes.

Submissions (2):

Ambry Genetics
Classification: Uncertain significance for Inborn genetic diseases. Last evaluated: 2025-12-31. Review status: criteria provided, single submitter. Criteria: Ambry Variant Classification Scheme 2023. Collection method: clinical testing. Allele origin: germline.

Labcorp Genetics (formerly Invitae), Labcorp
Classification: Uncertain significance. Last evaluated: 2025-03-26. Review status: criteria provided, single submitter. Criteria: Invitae Variant Classification Sherloc (09022015). Collection method: clinical testing. Allele origin: germline.
Comment: This sequence change replaces glutamic acid, which is acidic and polar, with aspartic acid, which is acidic and polar, at codon 1034 of the SLC12A6 protein (p.Glu1034Asp). This variant is not present in population databases (gnomAD no frequency). This variant has not been reported in the literature in individuals affected with SLC12A6-related conditions. Invitae Evidence Modeling of protein sequence and biophysical properties (such as structural, functional, and spatial information, amino acid conservation, physicochemical variation, residue mobility, and thermodynamic stability) indicates that this missense variant is not expected to disrupt SLC12A6 protein function with a negative predictive value of 95%. In summary, the available evidence is currently insufficient to determine the role of this variant in disease. Therefore, it has been classified as a Variant of Uncertain Significance.

NM_001365088.1(SLC12A6):c.3102G>T (p.Glu1034Asp)

Gene: SLC12A6 (solute carrier family 12 member 6; minus strand). Cytogenetic location: 15q14.
Variant type: single nucleotide variant.
Coding change: c.3102G>T on transcript NM_001365088.1 (MANE Select); coding-DNA position 3102, G replaced by T.
Protein change: p.Glu1034Asp; replaces glutamic acid 1034 with aspartic acid.
Molecular consequence: missense variant.
Genome position (GRCh38, 1-based): chr15:34,236,140, C>A on the plus strand (G>T on the coding strand, the complement: SLC12A6 is on the minus strand). VCF-style: chr15-34236140-C-A. GRCh37 (hg19) VCF-style: chr15-34528341-C-A.
Other names: c.2925G>T, p.Glu975Asp (NM_001042494.2, NM_001042495.2); c.3075G>T, p.Glu1025Asp (NM_001042496.2); c.3057G>T, p.Glu1019Asp (NM_001042497.2); c.2949G>T, p.Glu983Asp (NM_005135.2); c.3102G>T, p.Glu1034Asp (NM_133647.2); short protein forms E975D, E1019D, E1025D, E1034D, E983D.
Identifiers: ClinVar variation 4750535 (VCV004750535.2).
Genomic context (GRCh38, chr15:34,236,140, plus strand): 5'-GTACTTGTCTTTTGTCCAAGTCATGTGCACCTTCTCCTGATAGGTTTCTGTCTCTTCGTC[C>A]TCATCAGAGCCAATGCTGGTCAATCGTAGCATTGAGTTTCGGTCTTTCACCAATTGTGCC-3'
Protein context (NP_001352017.1, residues 1024-1044): MLRLTSIGSD[Glu1034Asp]DEETETYQEK